The following is an entry in ClinVar:

ClinVar aggregate classification (germline): Conflicting classifications of pathogenicity. Review status: criteria provided, conflicting classifications (1 of 4 stars). 5 submissions from 5 submitters: Uncertain significance (1); Benign (1); Likely benign (2). 1 of the submissions does not count toward it. Last evaluated 2026-03-23.

Conditions:
ABCA12-related disorder. Also called: ABCA12-related condition.
Inborn genetic diseases. Identifiers: MedGen C0950123, MeSH D030342.
Congenital ichthyosis of skin. Identifiers: MedGen C0020758.

Allele frequency attached by ClinVar (database versions not stated): 1000 Genomes Project 0.00060; 1000 Genomes Project 30x 0.00062; gnomAD exomes 0.00090 and 0.00184; ExAC 0.00099; TOPMed 0.00101; gnomAD 0.00104 and 0.00107; ESP Exome Variant Server 0.00185.
gnomAD v4.1: 2,837 of 1,614,132 alleles (0.18%); highest among the groups gnomAD compares: Non-Finnish European, 0.22%; 4 homozygotes.

Submissions (5):

Ambry Genetics
Classification: Likely benign for Inborn genetic diseases. Last evaluated: 2026-03-23. Review status: criteria provided, single submitter. Criteria: Ambry Variant Classification Scheme 2023. Collection method: clinical testing. Allele origin: germline.

Labcorp Genetics (formerly Invitae), Labcorp
Classification: Benign. Last evaluated: 2026-01-19. Review status: criteria provided, single submitter. Criteria: Invitae Variant Classification Sherloc (09022015). Collection method: clinical testing. Allele origin: germline.

Blueprint Genetics
Classification: Likely benign. Last evaluated: 2024-11-19. Review status: criteria provided, single submitter. Criteria: ACMG Guidelines, 2015. Collection method: clinical testing. Allele origin: germline.

Illumina Laboratory Services, Illumina
Classification: Uncertain significance for Congenital ichthyosis of skin. Last evaluated: 2018-01-12. Review status: criteria provided, single submitter. Criteria: ICSL Variant Classification Criteria 13 December 2019. Collection method: clinical testing. Allele origin: germline.

PreventionGenetics, part of Exact Sciences
Classification: Likely benign for ABCA12-related condition. Last evaluated: 2022-02-28. Review status: no assertion criteria provided. Collection method: clinical testing. Allele origin: germline. Not counted in ClinVar's aggregate classification.
Comment: This variant is classified as likely benign based on ACMG/AMP sequence variant interpretation guidelines (Richards et al. 2015 PMID: 25741868, with internal and published modifications).

NM_173076.3(ABCA12):c.1743C>G (p.Asp581Glu)

Gene: ABCA12 (ATP binding cassette subfamily A member 12; minus strand). Cytogenetic location: 2q35.
Variant type: single nucleotide variant.
Coding change: c.1743C>G on transcript NM_173076.3 (MANE Select); coding-DNA position 1743, C replaced by G.
Protein change: p.Asp581Glu; replaces aspartic acid 581 with glutamic acid.
Molecular consequence: missense variant. On other transcripts: non-coding transcript variant (1).
Genome position (GRCh38, 1-based): chr2:215,018,047, G>C on the plus strand (C>G on the coding strand, the complement: ABCA12 is on the minus strand). VCF-style: chr2-215018047-G-C. GRCh37 (hg19) VCF-style: chr2-215882771-G-C.
Other names: c.789C>G, p.Asp263Glu (NM_015657.4); short protein forms D581E, D263E.
Identifiers: ClinVar variation 334261 (VCV000334261.12), dbSNP rs144534912, ClinGen allele CA2092149.